The following is an entry in ClinVar:

NM_001267550.2(TTN):c.39625+1G>T

Gene: TTN (titin; minus strand). Cytogenetic location: 2q31.2.
Variant type: single nucleotide variant.
Coding change: c.39625+1G>T on transcript NM_001267550.2 (MANE Select); the canonical splice donor site of the intron after coding-DNA position 39625, G replaced by T.
Molecular consequence: splice donor variant. On other transcripts: intron variant (3).
Genome position (GRCh38, 1-based): chr2:178,651,242, C>A on the plus strand (G>T on the coding strand, the complement: TTN is on the minus strand). VCF-style: chr2-178651242-C-A. GRCh37 (hg19) VCF-style: chr2-179515969-C-A.
Other names: c.13283-8925G>T (NM_003319.4); c.13859-8925G>T (NM_133437.4); c.13658-8925G>T (NM_133432.3); c.32323+1G>T (NM_133378.4); c.35104+1G>T (NM_001256850.1).
Identifiers: ClinVar variation 4794427 (VCV004794427.1), dbSNP rs970681023.

ClinVar aggregate classification (germline): Likely pathogenic (1 of 4 stars; one submission).

Conditions:
Autosomal recessive limb-girdle muscular dystrophy type 2J (LGMDR10). Also called: MUSCULAR DYSTROPHY, LIMB-GIRDLE, AUTOSOMAL RECESSIVE 10; Limb-girdle muscular dystrophy, type 2J. Identifiers: Orphanet 140922, MedGen C1837342, MONDO:0012127, OMIM 608807.
Dilated cardiomyopathy 1G (CMD1G). Identifiers: Orphanet 154, MedGen C1858763, MONDO:0011400, OMIM 604145.

Allele frequency attached by ClinVar (database versions not stated): gnomAD exomes below 0.00001; TOPMed below 0.00001 and 0.00001.
gnomAD v4.1: 3 of 1,612,464 alleles (0.00019%); highest among the groups gnomAD compares: South Asian, 0.0011%; no homozygotes.

Submission:

Labcorp Genetics (formerly Invitae), Labcorp
Classification: Likely pathogenic for Dilated cardiomyopathy 1G; Autosomal recessive limb-girdle muscular dystrophy type 2J. Last evaluated: 2025-08-30. Review status: criteria provided, single submitter. Criteria: Invitae Variant Classification Sherloc (09022015). Collection method: clinical testing. Allele origin: germline.
Comment: This sequence change affects a donor splice site in intron 208 of the TTN gene. It is expected to disrupt RNA splicing and likely results in a truncated or disrupted TTN protein. This variant is present in population databases (no rsID available, gnomAD 0.003%). This variant has not been reported in the literature in individuals affected with TTN-related conditions. Algorithms developed to predict the effect of sequence changes on RNA splicing suggest that this variant may disrupt the consensus splice site. This variant is located in the I band of TTN (PMID: 25589632). Truncating variants in this region have been reported in individuals affected with autosomal recessive centronuclear myopathy (PMID: 23975875, internal data). Truncating variants in this region have also been identified in individuals affected with autosomal dominant dilated cardiomyopathy and/or cardio-related conditions (PMID: 27869827, 32964742, internal data). In summary, the currently available evidence indicates that the variant is pathogenic, but additional data are needed to prove that conclusively. Therefore, this variant has been classified as Likely Pathogenic.

Literature cited by the submitters: PubMed 25589632; PubMed 23975875; PubMed 27869827; PubMed 32964742.